The following is an entry in ClinVar:

ClinVar aggregate classification (germline): Uncertain significance (1 of 4 stars; one submission).

Conditions:
Dihydropteridine reductase deficiency (HPABH4C). Also called: BH4-Deficient Hyperphenylalaninemia C; HYPERPHENYLALANINEMIA, TETRAHYDROBIOPTERIN-DEFICIENT, DUE TO DHPR DEFICIENCY; QDPR DEFICIENCY; QUINOID DIHYDROPTERIDINE REDUCTASE DEFICIENCY; Phenylketonuria II; Hyperphenylalaninemia due to dihydropteridine reductase deficiency. Identifiers: Orphanet 226, Orphanet 238583, MedGen C0268465, MONDO:0009862, OMIM 261630.

Submission:

Labcorp Genetics (formerly Invitae), Labcorp
Classification: Uncertain significance for Dihydropteridine reductase deficiency. Last evaluated: 2024-03-11. Review status: criteria provided, single submitter. Criteria: Invitae Variant Classification Sherloc (09022015). Collection method: clinical testing. Allele origin: germline.
Comment: This sequence change replaces glutamine, which is neutral and polar, with arginine, which is basic and polar, at codon 162 of the QDPR protein (p.Gln162Arg). This variant is not present in population databases (gnomAD no frequency). This variant has not been reported in the literature in individuals affected with QDPR-related conditions. ClinVar contains an entry for this variant (Variation ID: 2090198). Algorithms developed to predict the effect of missense changes on protein structure and function output the following: SIFT: "Not Available"; PolyPhen-2: "Benign"; Align-GVGD: "Not Available". The arginine amino acid residue is found in multiple mammalian species, which suggests that this missense change does not adversely affect protein function. In summary, the available evidence is currently insufficient to determine the role of this variant in disease. Therefore, it has been classified as a Variant of Uncertain Significance.

NM_000320.3(QDPR):c.485A>G (p.Gln162Arg)

Gene: QDPR (quinoid dihydropteridine reductase; minus strand). Cytogenetic location: 4p15.32.
Variant type: single nucleotide variant.
Coding change: c.485A>G on transcript NM_000320.3 (MANE Select); coding-DNA position 485, A replaced by G.
Protein change: p.Gln162Arg; replaces glutamine 162 with arginine.
Molecular consequence: missense variant.
Genome position (GRCh38, 1-based): chr4:17,492,292, T>C on the plus strand (A>G on the coding strand, the complement: QDPR is on the minus strand). VCF-style: chr4-17492292-T-C. GRCh37 (hg19) VCF-style: chr4-17493915-T-C.
Other names: c.392A>G, p.Gln131Arg (NM_001306140.2); short protein forms Q131R, Q162R.
Identifiers: ClinVar variation 2090198 (VCV002090198.4), dbSNP rs2474658425, ClinGen allele CA356444796.
Genomic context (GRCh38, chr4:17,492,292, plus strand): 5'-GGGAGCACAGCGATGGCGGCTGCCCCGGGCGGCATGCCGCTGTTCTTCCCAGCCAGGCTC[T>C]GGCAGAGCTGGTGAACAGCACCCTTGGCCATGCCGTACCCGATCATACCTGGGAAATGGG-3'
Protein context (NP_000311.2, residues 152-172): MAKGAVHQLC[Gln162Arg]SLAGKNSGMP